The following is an entry in ClinVar:

ClinVar aggregate classification (germline): Uncertain significance (1 of 4 stars; one submission).

Allele frequency attached by ClinVar (database versions not stated): gnomAD exomes below 0.00001.
gnomAD v4.1: 1 of 1,610,312 alleles (0.000062%); highest among the groups gnomAD compares: Non-Finnish European, 0.000085%; no homozygotes.

Submission:

Labcorp Genetics (formerly Invitae), Labcorp
Classification: Uncertain significance. Last evaluated: 2022-07-02. Review status: criteria provided, single submitter. Criteria: Invitae Variant Classification Sherloc (09022015). Collection method: clinical testing. Allele origin: germline.
Comment: In summary, the available evidence is currently insufficient to determine the role of this variant in disease. Therefore, it has been classified as a Variant of Uncertain Significance. Advanced modeling of protein sequence and biophysical properties (such as structural, functional, and spatial information, amino acid conservation, physicochemical variation, residue mobility, and thermodynamic stability) performed at Invitae indicates that this missense variant is not expected to disrupt MYO15A protein function. This variant has not been reported in the literature in individuals affected with MYO15A-related conditions. This variant is not present in population databases (gnomAD no frequency). This sequence change replaces glutamic acid, which is acidic and polar, with aspartic acid, which is acidic and polar, at codon 2361 of the MYO15A protein (p.Glu2361Asp).

NM_016239.4(MYO15A):c.7083G>C (p.Glu2361Asp)

Gene: MYO15A (myosin XVA; plus strand). Cytogenetic location: 17p11.2.
Variant type: single nucleotide variant.
Coding change: c.7083G>C on transcript NM_016239.4 (MANE Select); coding-DNA position 7083, G replaced by C.
Protein change: p.Glu2361Asp; replaces glutamic acid 2361 with aspartic acid.
Molecular consequence: missense variant.
Genome position (GRCh38, 1-based): chr17:18,149,342, G>C. VCF-style: chr17-18149342-G-C. GRCh37 (hg19) VCF-style: chr17-18052656-G-C.
Other names: short protein forms E2361D.
Identifiers: ClinVar variation 2013255 (VCV002013255.4), dbSNP rs2046538705, ClinGen allele CA398614570.
Genomic context (GRCh38, chr17:18,149,342, plus strand): 5'-GCCCAAAGTACTTGACTCTGATGGGTACAGCAGCCACAATCAGGACGGTACAAATGGGGA[G>C]ACTGAGGCCCAAAGAGGGACAGCAACCCACCAAGGTCAACCAACAATGGCTGCTGTCTCT-3'
Protein context (NP_057323.3, residues 2351-2371): SSHNQDGTNG[Glu2361Asp]TEAQRGTATH